The following is an entry in ClinVar:

ClinVar aggregate classification (germline): Likely benign. Review status: criteria provided, single submitter (1 of 4 stars). 2 submissions from 2 submitters: Likely benign (1). 1 of the submissions does not count toward it. Last evaluated 2024-07-08.

Conditions:
Chédiak-Higashi syndrome (CHS). Also called: Chediak-Higashi Syndrome. Identifiers: Orphanet 167, MedGen C0007965, MONDO:0008963, OMIM 214500.
LYST-related disorder. Also called: LYST-related condition.

Allele frequency attached by ClinVar (database versions not stated): gnomAD exomes below 0.00001; ExAC 0.00002.
gnomAD v4.1: 7 of 1,612,874 alleles (0.00043%); highest among the groups gnomAD compares: Middle Eastern, 0.066%; no homozygotes.

Submissions (2):

Labcorp Genetics (formerly Invitae), Labcorp
Classification: Likely benign for Chédiak-Higashi syndrome. Last evaluated: 2024-07-08. Review status: criteria provided, single submitter. Criteria: Invitae Variant Classification Sherloc (09022015). Collection method: clinical testing. Allele origin: germline.

PreventionGenetics, part of Exact Sciences
Classification: Likely benign for LYST-related condition. Last evaluated: 2022-05-17. Review status: no assertion criteria provided. Collection method: clinical testing. Allele origin: germline. Not counted in ClinVar's aggregate classification.
Comment: This variant is classified as likely benign based on ACMG/AMP sequence variant interpretation guidelines (Richards et al. 2015 PMID: 25741868, with internal and published modifications).

NM_000081.4(LYST):c.5229T>C (p.Val1743=)

Gene: LYST (lysosomal trafficking regulator; minus strand). Cytogenetic location: 1q42.3.
Variant type: single nucleotide variant.
Coding change: c.5229T>C on transcript NM_000081.4 (MANE Select); coding-DNA position 5229, T replaced by C.
Protein change: p.Val1743=; no amino-acid change (valine 1743 retained).
Molecular consequence: synonymous variant.
Genome position (GRCh38, 1-based): chr1:235,777,294, A>G on the plus strand (T>C on the coding strand, the complement: LYST is on the minus strand). VCF-style: chr1-235777294-A-G. GRCh37 (hg19) VCF-style: chr1-235940594-A-G.
Other names: c.5229T>C, p.Val1743= (NM_001301365.1).
Identifiers: ClinVar variation 2011677 (VCV002011677.6), dbSNP rs761509986, ClinGen allele CA1466663.